The following is an entry in ClinVar:

NM_006662.3(SRCAP):c.8508T>G (p.Thr2836=)

Gene: SRCAP (Snf2 related CREBBP activator protein; plus strand). Cytogenetic location: 16p11.2.
Variant type: single nucleotide variant.
Coding change: c.8508T>G on transcript NM_006662.3 (MANE Select); coding-DNA position 8508, T replaced by G.
Protein change: p.Thr2836=; no amino-acid change (threonine 2836 retained).
Molecular consequence: synonymous variant.
Genome position (GRCh38, 1-based): chr16:30,738,548, T>G. VCF-style: chr16-30738548-T-G. GRCh37 (hg19) VCF-style: chr16-30749869-T-G.
Identifiers: ClinVar variation 722409 (VCV000722409.13), dbSNP rs758398423, ClinGen allele CA8012714.

ClinVar aggregate classification (germline): Benign/Likely benign. Review status: criteria provided, multiple submitters, no conflicts (2 of 4 stars). 3 submissions from 3 submitters: Benign (1); Likely benign (2). Last evaluated 2026-08-01.

Conditions:
Floating-Harbor syndrome (FLHS). Also called: Short stature with delayed bone age, expressive language delay, a triangular face with a prominent nose and deep-set eyes; Pelletier-Leisti syndrome; SRCAP-Related Floating-Harbor Syndrome. Identifiers: Orphanet 2044, MedGen C0729582, MONDO:0007621, OMIM 136140.
Developmental delay, hypotonia, musculoskeletal defects, and behavioral abnormalities. Identifiers: MedGen C5562012, MONDO:0859202, OMIM 619595.

Allele frequency attached by ClinVar (database versions not stated): gnomAD 0.00006; TOPMed 0.00011; ExAC 0.00029; gnomAD exomes 0.00033.
gnomAD v4.1: 99 of 1,611,434 alleles (0.0061%); highest among the groups gnomAD compares: Admixed American, 0.16%; 1 homozygote.

Submissions (3):

CeGaT Center for Human Genetics Tuebingen
Classification: Likely benign. Last evaluated: 2026-08-01. Review status: criteria provided, single submitter. Criteria: CeGaT Center For Human Genetics Tuebingen Variant Classification Criteria Version 2. Collection method: clinical testing. Allele origin: germline. Affected: yes. Observed: 3 variant alleles.
Comment: SRCAP: BP4, BP7

Labcorp Genetics (formerly Invitae), Labcorp
Classification: Benign. Last evaluated: 2026-01-21. Review status: criteria provided, single submitter. Criteria: Invitae Variant Classification Sherloc (09022015). Collection method: clinical testing. Allele origin: germline.

Fulgent Genetics
Classification: Likely benign for Floating-Harbor syndrome; Developmental delay, hypotonia, musculoskeletal defects, and behavioral abnormalities. Last evaluated: 2021-11-04. Review status: criteria provided, single submitter. Criteria: ACMG Guidelines, 2015. Collection method: clinical testing. Allele origin: unknown.